The following is an entry in ClinVar:

ClinVar aggregate classification (germline): Uncertain significance (1 of 4 stars; one submission).

Conditions:
KBG syndrome (KBGS). Also called: ANKRD11-Related KBG Syndrome. Identifiers: Orphanet 2332, MedGen C0220687, MONDO:0007846, OMIM 148050.

gnomAD v4.1: 1 of 1,591,340 alleles (0.000063%); highest among the groups gnomAD compares: Non-Finnish European, 0.000086%; no homozygotes.

Submission:

Labcorp Genetics (formerly Invitae), Labcorp
Classification: Uncertain significance for KBG syndrome. Last evaluated: 2024-03-27. Review status: criteria provided, single submitter. Criteria: Invitae Variant Classification Sherloc (09022015). Collection method: clinical testing. Allele origin: germline.
Comment: This sequence change replaces valine, which is neutral and non-polar, with leucine, which is neutral and non-polar, at codon 2029 of the ANKRD11 protein (p.Val2029Leu). This variant is not present in population databases (gnomAD no frequency). This variant has not been reported in the literature in individuals affected with ANKRD11-related conditions. Advanced modeling of protein sequence and biophysical properties (such as structural, functional, and spatial information, amino acid conservation, physicochemical variation, residue mobility, and thermodynamic stability) performed at Invitae indicates that this missense variant is not expected to disrupt ANKRD11 protein function with a negative predictive value of 95%. In summary, the available evidence is currently insufficient to determine the role of this variant in disease. Therefore, it has been classified as a Variant of Uncertain Significance.

NM_013275.6(ANKRD11):c.6085G>C (p.Val2029Leu)

Gene: ANKRD11 (ankyrin repeat domain 11; minus strand). Cytogenetic location: 16q24.3.
Variant type: single nucleotide variant.
Coding change: c.6085G>C on transcript NM_013275.6 (MANE Select); coding-DNA position 6085, G replaced by C.
Protein change: p.Val2029Leu; replaces valine 2029 with leucine.
Molecular consequence: missense variant.
Genome position (GRCh38, 1-based): chr16:89,280,457, C>G on the plus strand (G>C on the coding strand, the complement: ANKRD11 is on the minus strand). VCF-style: chr16-89280457-C-G. GRCh37 (hg19) VCF-style: chr16-89346865-C-G.
Other names: c.6085G>C, p.Val2029Leu (NM_001256182.2, NM_001256183.2); short protein forms V2029L.
Identifiers: ClinVar variation 3637133 (VCV003637133.2).